The following is an entry in ClinVar:

NM_000059.4(BRCA2):c.8160_8196dup (p.Asp2733delinsThrTyrArgTrpValValCysCysTer)

Gene: BRCA2 (BRCA2 DNA repair associated; plus strand). Cytogenetic location: 13q13.1.
Variant type: Duplication.
Coding change: c.8160_8196dup on transcript NM_000059.4 (MANE Select); coding-DNA positions 8160 to 8196, 37 bases duplicated.
Protein change: p.Asp2733delinsThrTyrArgTrpValValCysCysTer.
Molecular consequence: nonsense.
Genome position (GRCh38, 1-based): chr13:32,363,362-32,363,398, 37 bases duplicated; duplicating any 37 consecutive bases within chr13:32,363,361-32,363,398 gives the same sequence; the c. name uses the placement nearest the transcript's 3' end. GRCh37 (hg19): chr13:32,937,499-32,937,535.
Other names: 8388_8424dup37.
Identifiers: ClinVar variation 267056 (VCV000267056.5), dbSNP rs886040747, ClinGen allele CA10589469.
Genomic context (GRCh38, chr13:32,363,360, plus strand): 5'-ATATCTGAAACTTCTAGCAATAAAACTAGTAGTGCAGATACCCAAAAAGTGGCCATTATT[G>GAACTTACAGATGGGTGGTATGCTGTTAAGGCCCAGTT]AACTTACAGATGGGTGGTATGCTGTTAAGGCCCAGTTAGATCCTCCCCTCTTAGCTGTCT-3'

ClinVar aggregate classification (germline): Pathogenic. Review status: reviewed by expert panel (3 of 4 stars). 2 submissions from 2 submitters: Pathogenic (1). 1 of the submissions does not count toward it. Last evaluated 2016-10-18.

Conditions:
Breast-ovarian cancer, familial, susceptibility to, 2 (BROVCA2). Also called: BRCA2 Hereditary Breast and Ovarian Cancer. Identifiers: Orphanet 145, MedGen C2675520, MONDO:0012933, OMIM 612555. Disease mechanism: loss of function.

Submissions (2):

Evidence-based Network for the Interpretation of Germline Mutant Alleles (ENIGMA)
Classification: Pathogenic for Breast-ovarian cancer, familial, susceptibility to, 2. Last evaluated: 2016-10-18. Review status: reviewed by expert panel. Criteria: ENIGMA BRCA1/2 Classification Criteria (2015). Collection method: curation. Allele origin: germline.
Comment: Variant allele predicted to encode a truncated non-functional protein.

Consortium of Investigators of Modifiers of BRCA1/2 (CIMBA), c/o University of Cambridge
Classification: Pathogenic for Breast-ovarian cancer, familial, susceptibility to, 2. Last evaluated: 2015-10-02. Review status: criteria provided, single submitter. Criteria: CIMBA Mutation Classification guidelines May 2016. Collection method: clinical testing. Allele origin: germline. Not counted in ClinVar's aggregate classification.